The following is an entry in ClinVar:

ClinVar aggregate classification (germline): Uncertain significance. Review status: criteria provided, multiple submitters, no conflicts (2 of 4 stars). 2 submissions from 2 submitters: Uncertain significance (2). Last evaluated 2024-12-31.

Conditions:
Emery-Dreifuss muscular dystrophy 5, autosomal dominant (EDMD5). Also called: EMERY-DREIFUSS MUSCULAR DYSTROPHY 5. Identifiers: Orphanet 261, MedGen C2751805, MONDO:0013072, OMIM 612999.

Allele frequency attached by ClinVar (database versions not stated): gnomAD 0.00001; TOPMed 0.00001.
gnomAD v4.1: 4 of 1,613,602 alleles (0.00025%); highest among the groups gnomAD compares: Admixed American, 0.0067%; no homozygotes.

Submissions (2):

Labcorp Genetics (formerly Invitae), Labcorp
Classification: Uncertain significance for Emery-Dreifuss muscular dystrophy 5, autosomal dominant. Last evaluated: 2024-12-31. Review status: criteria provided, single submitter. Criteria: Invitae Variant Classification Sherloc (09022015). Collection method: clinical testing. Allele origin: germline.
Comment: This sequence change replaces asparagine, which is neutral and polar, with serine, which is neutral and polar, at codon 1656 of the SYNE2 protein (p.Asn1656Ser). This variant is present in population databases (no rsID available, gnomAD 0.006%). This variant has not been reported in the literature in individuals affected with SYNE2-related conditions. ClinVar contains an entry for this variant (Variation ID: 2213568). An algorithm developed to predict the effect of missense changes on protein structure and function outputs the following: PolyPhen-2: "Benign". The serine amino acid residue is found in multiple mammalian species, which suggests that this missense change does not adversely affect protein function. In summary, the available evidence is currently insufficient to determine the role of this variant in disease. Therefore, it has been classified as a Variant of Uncertain Significance.

Ambry Genetics
Classification: Uncertain significance. Last evaluated: 2021-12-03. Review status: criteria provided, single submitter. Criteria: Ambry Variant Classification Scheme 2023. Collection method: clinical testing. Allele origin: germline.

NM_182914.3(SYNE2):c.4967A>G (p.Asn1656Ser)

Gene: SYNE2 (spectrin repeat containing nuclear envelope protein 2; plus strand). Cytogenetic location: 14q23.2.
Variant type: single nucleotide variant.
Coding change: c.4967A>G on transcript NM_182914.3 (MANE Select); coding-DNA position 4967, A replaced by G.
Protein change: p.Asn1656Ser; replaces asparagine 1656 with serine.
Molecular consequence: missense variant.
Genome position (GRCh38, 1-based): chr14:64,017,674, A>G. VCF-style: chr14-64017674-A-G. GRCh37 (hg19) VCF-style: chr14-64484392-A-G.
Other names: c.4967A>G, p.Asn1656Ser (NM_015180.6); short protein forms N1656S.
Identifiers: ClinVar variation 2213568 (VCV002213568.4), dbSNP rs1012379516, ClinGen allele CA261806870.